The following is an entry in ClinVar:

ClinVar aggregate classification (germline): Conflicting classifications of pathogenicity. Review status: criteria provided, conflicting classifications (1 of 4 stars). 6 submissions from 6 submitters: Pathogenic (2); Likely pathogenic (2); Uncertain significance (1). 1 of the submissions does not count toward it. Last evaluated 2026-01-06.

Conditions:
COG7-related disorder. Also called: COG7-related condition.
Inborn genetic diseases. Identifiers: MedGen C0950123, MeSH D030342.
COG7 congenital disorder of glycosylation (CDG2E). Also called: CONGENITAL DISORDER OF GLYCOSYLATION, TYPE IIe; CDG IIe. Identifiers: Orphanet 79333, MedGen C2931010, MONDO:0012118, OMIM 608779.

Allele frequency attached by ClinVar (database versions not stated): gnomAD exomes 0.00011 and 0.00014; ExAC 0.00014; gnomAD 0.00022 and 0.00023; TOPMed 0.00031.
gnomAD v4.1: 205 of 1,607,820 alleles (0.013%); highest among the groups gnomAD compares: Middle Eastern, 0.083%; no homozygotes.

Submissions (6):

Labcorp Genetics (formerly Invitae), Labcorp
Classification: Likely pathogenic for COG7 congenital disorder of glycosylation. Last evaluated: 2026-01-06. Review status: criteria provided, single submitter. Criteria: Invitae Variant Classification Sherloc (09022015). Collection method: clinical testing. Allele origin: germline.
Comment: This sequence change affects a donor splice site in intron 3 of the COG7 gene. It is expected to disrupt RNA splicing. Variants that disrupt the donor or acceptor splice site typically lead to a loss of protein function (PMID: 16199547), and loss-of-function variants in COG7 are known to be pathogenic (PMID: 21811164). This variant is present in population databases (rs201446992, gnomAD 0.03%). Disruption of this splice site has been observed in individual(s) with COG7-related disorder of glycosylation (PMID: 30653653). ClinVar contains an entry for this variant (Variation ID: 657072). Studies have shown that disruption of this splice site is associated with inconclusive levels of altered splicing (PMID: 30653653). In summary, the currently available evidence indicates that the variant is pathogenic, but additional data are needed to prove that conclusively. Therefore, this variant has been classified as Likely Pathogenic.

First Genomix Gene Laboratory, Genetic Diagnostics Department
Classification: Pathogenic for COG7 congenital disorder of glycosylation. Last evaluated: 2025-05-29. Review status: criteria provided, single submitter. Criteria: ACMG Guidelines, 2015. Collection method: clinical testing. Allele origin: germline. Inheritance: Autosomal recessive inheritance. Affected: no. Observed: 1 variant allele.

Clinical Genomics Laboratory, Washington University in St. Louis
Classification: Likely pathogenic for COG7 congenital disorder of glycosylation. Last evaluated: 2024-07-28. Review status: criteria provided, single submitter. Criteria: ACMG Guidelines, 2015. Collection method: clinical testing. Allele origin: germline. Affected: yes.
Comment: The COG7 c.435+2T>C variant has been reported in one individual affected with congenital disorder of glycosylation, without a second causative allele being identified (Medrano C et al., PMID: 30653653). This variant has been listed in the ClinVar database as pathogenic by one submitter, likely pathogenic by another, and as a variant of uncertain significance by one submitter (Variation ID: 657072). The highest population minor allele frequency in the population database genome aggregation database (v.2.1.1) is 0.02% in the European non-Finnish population. This variant occurs within the canonical splice donor site, which is predicted to cause skipping of the exon, leading to an in-frame transcript. Functional studies show skipping of exon 3 in targeted transcriptional profile analysis performed in patient-derived fibroblasts, indicating that this variant impacts protein function (Medrano C et al. PMID: 30653653). Based on available information and the ACMG/AMP guidelines for variant interpretation (Richards S et al., PMID: 25741868), this variant is classified as likely pathogenic.

3billion
Classification: Pathogenic for COG7 congenital disorder of glycosylation. Last evaluated: 2022-09-01. Review status: criteria provided, single submitter. Criteria: ACMG Guidelines, 2015. Collection method: clinical testing. Allele origin: germline. Affected: yes. Observed: 1 homozygote.
Comment: The variant is observed at an extremely low frequency in the gnomAD v2.1.1 dataset (total allele frequency: 0.013%). Canonical splice site is predicted to alter splicing and result in a loss or disruption of normal protein function. Multiple pathogenic loss-of-function variants are reported downstream of the variant. The variant has been reported at least twice as pathogenic without evidence for the classification (ClinVar ID: VCV000657072). Therefore, this variant is classified as Pathogenic according to the recommendation of ACMG/AMP guideline.

Ambry Genetics
Classification: Uncertain significance for Inborn genetic diseases. Last evaluated: 2021-11-04. Review status: criteria provided, single submitter. Criteria: Ambry Variant Classification Scheme 2023. Collection method: clinical testing. Allele origin: germline.
Comment: The c.435+2T>C intronic variant results from a T to C substitution one nucleotide after coding exon 3 of the COG7 gene. Alterations that disrupt the canonical splice site are expected to result in aberrant splicing. The resulting transcript is predicted to be in-frame and is not expected to trigger nonsense-mediated mRNA decay; however, direct evidence is unavailable. The exact functional effect of the missing amino acids is unknown. This nucleotide position is highly conserved in available vertebrate species. In silico splice site analysis for this alteration is inconclusive. Based on insufficient or conflicting evidence, the clinical significance of this alteration remains unclear.

PreventionGenetics, part of Exact Sciences
Classification: Uncertain significance for COG7-related condition. Last evaluated: 2024-03-31. Review status: no assertion criteria provided. Collection method: clinical testing. Allele origin: germline. Not counted in ClinVar's aggregate classification.
Comment: The COG7 c.435+2T>C variant is predicted to disrupt the GT donor site and interfere with normal splicing. This variant in a heterozygous state has been reported in a patient with a congenital disorder of glycosylation, but no second pathogenic variant was found in the patient (Medrano et al. 2019. PubMed ID: 30653653). This variant is reported in 0.020% of alleles in individuals of European (Non-Finnish) descent in gnomAD. Loss of function variants have not been well documented in this gene (Human Gene Mutation Database). Although we suspect that this variant may be pathogenic, at this time, the clinical significance of this variant is uncertain due to the absence of conclusive functional and genetic evidence.

Literature cited by the submitters: PubMed 16199547 (cited by Labcorp Genetics (formerly Invitae), Labcorp); PubMed 21811164 (cited by Labcorp Genetics (formerly Invitae), Labcorp); PubMed 30653653 (cited by Labcorp Genetics (formerly Invitae), Labcorp and Ambry Genetics).

NM_153603.4(COG7):c.435+2T>C

Gene: COG7 (component of oligomeric golgi complex 7; minus strand). Cytogenetic location: 16p12.2.
Variant type: single nucleotide variant.
Coding change: c.435+2T>C on transcript NM_153603.4 (MANE Select); the canonical splice donor site of the intron after coding-DNA position 435, T replaced by C.
Molecular consequence: splice donor variant.
Genome position (GRCh38, 1-based): chr16:23,445,046, A>G on the plus strand (T>C on the coding strand, the complement: COG7 is on the minus strand). VCF-style: chr16-23445046-A-G. GRCh37 (hg19) VCF-style: chr16-23456367-A-G.
Identifiers: ClinVar variation 657072 (VCV000657072.13), dbSNP rs201446992, ClinGen allele CA7961308.